The following is an entry in ClinVar:

ClinVar aggregate classification (germline): Uncertain significance. Review status: criteria provided, multiple submitters, no conflicts (2 of 4 stars). 2 submissions from 2 submitters: Uncertain significance (2). Last evaluated 2025-06-23.

Conditions:
Inborn genetic diseases. Identifiers: MedGen C0950123, MeSH D030342.
Werner syndrome (WRN). Identifiers: Orphanet 902, MedGen C0043119, MONDO:0010196, OMIM 277700.

Allele frequency attached by ClinVar (database versions not stated): TOPMed below 0.00001; ExAC 0.00001; gnomAD exomes 0.00001; ESP Exome Variant Server 0.00008.
gnomAD v4.1: 3 of 1,613,340 alleles (0.00019%); highest among the groups gnomAD compares: Non-Finnish European, 0.00025%; no homozygotes.

Submissions (2):

Ambry Genetics
Classification: Uncertain significance for Inborn genetic diseases. Last evaluated: 2025-06-23. Review status: criteria provided, single submitter. Criteria: Ambry Variant Classification Scheme 2023. Collection method: clinical testing. Allele origin: germline.

Labcorp Genetics (formerly Invitae), Labcorp
Classification: Uncertain significance for Werner syndrome. Last evaluated: 2025-04-07. Review status: criteria provided, single submitter. Criteria: Invitae Variant Classification Sherloc (09022015). Collection method: clinical testing. Allele origin: germline.
Comment: This sequence change replaces aspartic acid, which is acidic and polar, with tyrosine, which is neutral and polar, at codon 163 of the WRN protein (p.Asp163Tyr). This variant is present in population databases (rs368717487, gnomAD 0.0009%). This variant has not been reported in the literature in individuals affected with WRN-related conditions. ClinVar contains an entry for this variant (Variation ID: 403985). An algorithm developed to predict the effect of missense changes on protein structure and function (PolyPhen-2) suggests that this variant is likely to be disruptive. In summary, the available evidence is currently insufficient to determine the role of this variant in disease. Therefore, it has been classified as a Variant of Uncertain Significance.

NM_000553.6(WRN):c.487G>T (p.Asp163Tyr)

Gene: WRN (WRN RecQ like helicase; plus strand). Cytogenetic location: 8p12.
Variant type: single nucleotide variant.
Coding change: c.487G>T on transcript NM_000553.6 (MANE Select); coding-DNA position 487, G replaced by T.
Protein change: p.Asp163Tyr; replaces aspartic acid 163 with tyrosine.
Molecular consequence: missense variant.
Genome position (GRCh38, 1-based): chr8:31,065,046, G>T. VCF-style: chr8-31065046-G-T. GRCh37 (hg19) VCF-style: chr8-30922562-G-T.
Other names: short protein forms D163Y.
Identifiers: ClinVar variation 403985 (VCV000403985.9), dbSNP rs368717487, ClinGen allele CA4704076.